The following is an entry in ClinVar:

ClinVar aggregate classification (germline): Likely pathogenic. Review status: criteria provided, multiple submitters, no conflicts (2 of 4 stars). 3 submissions from 3 submitters: Likely pathogenic (3). Last evaluated 2024-06-21.

Conditions:
Combined immunodeficiency with skin granulomas. Identifiers: Orphanet 157949, MedGen C2673536, MONDO:0009306, OMIM 233650.
Histiocytic medullary reticulosis. Also called: Omenn syndrome; SEVERE COMBINED IMMUNODEFICIENCY WITH HYPEREOSINOPHILIA. Identifiers: Orphanet 39041, MedGen C2700553, MONDO:0011338, OMIM 603554.
Severe combined immunodeficiency, autosomal recessive, T cell-negative, B cell-negative, NK cell-positive. Also called: Severe combined immunodeficiency due to complete RAG1/2 deficiency; SCID, T CELL-NEGATIVE, B CELL-NEGATIVE, NK CELL-POSITIVE; SCID, AR, T-cell negative, B-cell negative, NK cell-positive. Identifiers: Orphanet 331206, MedGen C1832322, MONDO:0011086, OMIM 601457.
Combined immunodeficiency due to partial RAG1 deficiency. Identifiers: Orphanet 231154, MedGen C1835931, MONDO:0012359, OMIM 609889.

Submissions (3):

Fulgent Genetics
Classification: Likely pathogenic for Combined immunodeficiency with skin granulomas; Severe combined immunodeficiency, autosomal recessive, T cell-negative, B cell-negative, NK cell-positive; Histiocytic medullary reticulosis; Combined immunodeficiency due to partial RAG1 deficiency. Last evaluated: 2024-06-21. Review status: criteria provided, single submitter. Criteria: ACMG Guidelines, 2015. Collection method: clinical testing. Allele origin: germline.

3billion
Classification: Likely pathogenic for Histiocytic medullary reticulosis. Last evaluated: 2022-09-01. Review status: criteria provided, single submitter. Criteria: ACMG Guidelines, 2015. Collection method: clinical testing. Allele origin: germline. Affected: yes. Observed: 1 homozygote.
Comment: The variant is not observed in the gnomAD v2.1.1 dataset. Stop-gained (nonsense) is predicted to result in a loss or disruption of normal protein function through protein truncation. The predicted truncated protein may be shortened by more than 10%. Multiple pathogenic variants are reported downstream of the variant. Therefore, this variant is classified as Likely pathogenic according to the recommendation of ACMG/AMP guideline.

Baylor Genetics
Classification: Likely pathogenic for Combined immunodeficiency due to partial RAG1 deficiency. Last evaluated: 2022-07-05. Review status: criteria provided, single submitter. Criteria: ACMG Guidelines, 2015. Collection method: clinical testing. Allele origin: unknown.

NM_000448.3(RAG1):c.540G>A (p.Trp180Ter)

Gene: RAG1 (recombination activating 1; plus strand). Cytogenetic location: 11p12.
Variant type: single nucleotide variant.
Coding change: c.540G>A on transcript NM_000448.3 (MANE Select); coding-DNA position 540, G replaced by A.
Protein change: p.Trp180Ter; replaces tryptophan 180 with a stop codon.
Molecular consequence: nonsense.
Genome position (GRCh38, 1-based): chr11:36,573,844, G>A. VCF-style: chr11-36573844-G-A. GRCh37 (hg19) VCF-style: chr11-36595394-G-A.
Other names: c.540G>A, p.Trp180Ter (NM_001377277.1, NM_001377278.1, NM_001377279.1 and 1 more transcripts); short protein forms W180*.
Identifiers: ClinVar variation 1705584 (VCV001705584.3), dbSNP rs2494752085, ClinGen allele CA380146775.